The following is an entry in ClinVar:

NM_000135.4(FANCA):c.558C>G (p.His186Gln)

Gene: FANCA (FA complementation group A; minus strand). Cytogenetic location: 16q24.3.
Variant type: single nucleotide variant.
Coding change: c.558C>G on transcript NM_000135.4 (MANE Select); coding-DNA position 558, C replaced by G.
Protein change: p.His186Gln; replaces histidine 186 with glutamine.
Molecular consequence: missense variant.
Genome position (GRCh38, 1-based): chr16:89,808,332, G>C on the plus strand (C>G on the coding strand, the complement: FANCA is on the minus strand). VCF-style: chr16-89808332-G-C. GRCh37 (hg19) VCF-style: chr16-89874740-G-C.
Other names: c.558C>G (NM_000135.2); c.558C>G, p.His186Gln (NM_001018112.3, NM_001286167.3); c.462C>G, p.His154Gln (NM_001351830.2); short protein forms H154Q, H186Q.
Identifiers: ClinVar variation 1004288 (VCV001004288.8), dbSNP rs149159377, ClinGen allele CA397479287.
Genomic context (GRCh38, chr16:89,808,332, plus strand): 5'-TGAATCATCATTAGCACGCTACCTTTCCAGCAGCTCTTGCAGGCTCACAATGCCTTGTAC[G>C]TGAAGATGCCACACCGCTTCAAGCAACAAAGAACTCTGAAAAACAAAACAAAACAAACAA-3'
Protein context (NP_000126.2, residues 176-196): SLLLEAVWHL[His186Gln]VQGIVSLQEL

ClinVar aggregate classification (germline): Uncertain significance. Review status: criteria provided, multiple submitters, no conflicts (2 of 4 stars). 5 submissions from 5 submitters: Uncertain significance (3). 2 of the submissions do not count toward it. Last evaluated 2025-06-14.

Conditions:
FANCA-related disorder. Also called: FANCA-related condition.
Inborn genetic diseases. Identifiers: MedGen C0950123, MeSH D030342.
Fanconi anemia (FA). Also called: Fanconi's anemia. Identifiers: Orphanet 84, MedGen C0015625, MeSH D005199, MONDO:0019391.
Fanconi anemia complementation group A (FANCA). Also called: Fanconi anemia, group A; FANCA-Related Fanconi Anemia. Identifiers: Orphanet 84, MedGen C3469521, MONDO:0009215, OMIM 227650.

gnomAD v4.1: 12 of 1,614,096 alleles (0.00074%); highest among the groups gnomAD compares: Non-Finnish European, 0.001%; no homozygotes.

Submissions (5):

Ambry Genetics
Classification: Uncertain significance for Inborn genetic diseases. Last evaluated: 2025-06-14. Review status: criteria provided, single submitter. Criteria: Ambry Variant Classification Scheme 2023. Collection method: clinical testing. Allele origin: germline.
Comment: The p.H186Q variant (also known as c.558C>G), located in coding exon 6 of the FANCA gene, results from a C to G substitution at nucleotide position 558. The histidine at codon 186 is replaced by glutamine, an amino acid with highly similar properties. This amino acid position is conserved. In addition, this alteration is predicted to be tolerated by in silico analysis. Based on the available evidence, the clinical significance of this variant remains unclear.

Fulgent Genetics
Classification: Uncertain significance for Fanconi anemia complementation group A. Last evaluated: 2022-03-04. Review status: criteria provided, single submitter. Criteria: ACMG Guidelines, 2015. Collection method: clinical testing. Allele origin: unknown.

Labcorp Genetics (formerly Invitae), Labcorp
Classification: Uncertain significance for Fanconi anemia. Last evaluated: 2021-09-01. Review status: criteria provided, single submitter. Criteria: Invitae Variant Classification Sherloc (09022015). Collection method: clinical testing. Allele origin: germline.
Comment: This sequence change replaces histidine with glutamine at codon 186 of the FANCA protein (p.His186Gln). The histidine residue is moderately conserved and there is a small physicochemical difference between histidine and glutamine. This variant is not present in population databases (ExAC no frequency). This variant has not been reported in the literature in individuals affected with FANCA-related conditions. Algorithms developed to predict the effect of missense changes on protein structure and function output the following: SIFT: "Tolerated"; PolyPhen-2: "Benign"; Align-GVGD: "Class C0". The glutamine amino acid residue is found in multiple mammalian species, which suggests that this missense change does not adversely affect protein function. Algorithms developed to predict the effect of sequence changes on RNA splicing suggest that this variant may create or strengthen a splice site. In summary, the available evidence is currently insufficient to determine the role of this variant in disease. Therefore, it has been classified as a Variant of Uncertain Significance.

PreventionGenetics, part of Exact Sciences
Classification: Uncertain significance for FANCA-related condition. Last evaluated: 2024-08-29. Review status: no assertion criteria provided. Collection method: clinical testing. Allele origin: germline. Not counted in ClinVar's aggregate classification.
Comment: The FANCA c.558C>G variant is predicted to result in the amino acid substitution p.His186Gln. To our knowledge, this variant has not been reported in the literature or in a large population database, indicating this variant is rare. This variant is interpreted as uncertain in ClinVar. At this time, the clinical significance of this variant is uncertain due to the absence of conclusive functional and genetic evidence.

Natera, Inc.
Classification: Uncertain significance for Fanconi anemia. Last evaluated: 2021-05-04. Review status: no assertion criteria provided. Collection method: clinical testing. Allele origin: germline. Not counted in ClinVar's aggregate classification.